The following is an entry in ClinVar:

ClinVar aggregate classification (germline): Uncertain significance (1 of 4 stars; one submission).

Submission:

GeneDx
Classification: Uncertain significance. Last evaluated: 2019-08-12. Review status: criteria provided, single submitter. Criteria: GeneDx Variant Classification Process June 2021. Collection method: clinical testing. Allele origin: germline. Affected: yes.
Comment: Has not been previously published as pathogenic or benign to our knowledge; Not observed in large population cohorts (Lek et al., 2016); In silico analysis, which includes protein predictors and evolutionary conservation, supports that this variant does not alter protein structure/function

NM_002834.5(PTPN11):c.460G>A (p.Gly154Ser)

Gene: PTPN11 (protein tyrosine phosphatase non-receptor type 11; plus strand). Cytogenetic location: 12q24.13.
Variant type: single nucleotide variant.
Coding change: c.460G>A on transcript NM_002834.5 (MANE Select); coding-DNA position 460, G replaced by A.
Protein change: p.Gly154Ser; replaces glycine 154 with serine.
Molecular consequence: missense variant.
Genome position (GRCh38, 1-based): chr12:112,453,322, G>A. VCF-style: chr12-112453322-G-A. GRCh37 (hg19) VCF-style: chr12-112891126-G-A.
Other names: c.460G>A, p.Gly154Ser (NM_001330437.2, NM_080601.3); c.457G>A, p.Gly153Ser (NM_001374625.1); short protein forms G153S, G154S.
Identifiers: ClinVar variation 1302952 (VCV001302952.2), dbSNP rs2135867186, ClinGen allele CA386781496.
Genomic context (GRCh38, chr12:112,453,322, plus strand): 5'-AGTTTTCTTGTACGAGAGAGCCAGAGCCACCCTGGAGATTTTGTTCTTTCTGTGCGCACT[G>A]GTGATGACAAAGGGGAGAGCAATGACGGCAAGTCTAAAGTGACCCATGTTATGATTCGCT-3'
Protein context (NP_002825.3, residues 144-164): PGDFVLSVRT[Gly154Ser]DDKGESNDGK